The following is an entry in ClinVar:

NM_000135.4(FANCA):c.11C>A (p.Ser4Ter)

Genes: FANCA (FA complementation group A; minus strand), LOC112486223 (Sharpr-MPRA regulatory region 3988; plus strand). Cytogenetic location: 16q24.3.
Variant type: single nucleotide variant.
Coding change: c.11C>A on transcript NM_000135.4 (MANE Select); coding-DNA position 11, C replaced by A.
Protein change: p.Ser4Ter; replaces serine 4 with a stop codon.
Molecular consequence: nonsense.
Genome position (GRCh38, 1-based): chr16:89,816,605, G>T on the plus strand (C>A on the coding strand, the complement: FANCA is on the minus strand). VCF-style: chr16-89816605-G-T. GRCh37 (hg19) VCF-style: chr16-89883013-G-T.
Other names: c.11C>A (LRG_495t1); c.11C>A, p.Ser4Ter (NM_001018112.3, NM_001286167.3, NM_001351830.2); short protein forms S4*.
Identifiers: ClinVar variation 551731 (VCV000551731.18), dbSNP rs1484087361, ClinGen allele CA397484637.

ClinVar aggregate classification (germline): Pathogenic/Likely pathogenic. Review status: criteria provided, multiple submitters, no conflicts (2 of 4 stars). 7 submissions from 7 submitters: Pathogenic (4); Likely pathogenic (1). 2 of the submissions do not count toward it. Last evaluated 2024-03-20.

Conditions:
Fanconi anemia (FA). Also called: Fanconi's anemia. Identifiers: Orphanet 84, MedGen C0015625, MeSH D005199, MONDO:0019391.
Fanconi anemia complementation group A (FANCA). Also called: Fanconi anemia, group A; FANCA-Related Fanconi Anemia. Identifiers: Orphanet 84, MedGen C3469521, MONDO:0009215, OMIM 227650.

Submissions (7):

Baylor Genetics
Classification: Pathogenic for Fanconi anemia complementation group A. Last evaluated: 2024-03-20. Review status: criteria provided, single submitter. Criteria: ACMG Guidelines, 2015. Collection method: clinical testing. Allele origin: unknown.

Labcorp Genetics (formerly Invitae), Labcorp
Classification: Pathogenic for Fanconi anemia. Last evaluated: 2024-02-16. Review status: criteria provided, single submitter. Criteria: Invitae Variant Classification Sherloc (09022015). Collection method: clinical testing. Allele origin: germline.
Comment: This sequence change creates a premature translational stop signal (p.Ser4*) in the FANCA gene. It is expected to result in an absent or disrupted protein product. Loss-of-function variants in FANCA are known to be pathogenic (PMID: 19367192). The frequency data for this variant in the population databases is considered unreliable, as metrics indicate poor data quality at this position in the gnomAD database. This premature translational stop signal has been observed in individual(s) with Fanconi anemia (PMID: 24584348). ClinVar contains an entry for this variant (Variation ID: 551731). For these reasons, this variant has been classified as Pathogenic.

Fulgent Genetics
Classification: Likely pathogenic for Fanconi anemia complementation group A. Last evaluated: 2022-05-09. Review status: criteria provided, single submitter. Criteria: ACMG Guidelines, 2015. Collection method: clinical testing. Allele origin: unknown.

Revvity Omics, Revvity
Classification: Pathogenic for Fanconi anemia complementation group A. Last evaluated: 2020-10-06. Review status: criteria provided, single submitter. Criteria: ACMG Guidelines, 2015. Collection method: clinical testing. Allele origin: germline.

Knight Diagnostic Laboratories, Oregon Health and Sciences University
Classification: Pathogenic for Fanconi anemia, complementation group A. Last evaluated: 2016-08-03. Review status: criteria provided, single submitter. Criteria: ACMG Guidelines, 2015. Collection method: clinical testing. Allele origin: germline. Observed: 1 variant allele.

Leiden Open Variation Database
Classification: Pathogenic for Fanconi anemia complementation group A. Last evaluated: 2020-02-28. Review status: no assertion criteria provided. Collection method: curation. Allele origin: germline. Affected: yes. Not counted in ClinVar's aggregate classification.
Comment: Curator: Arleen D. Auerbach. Submitter to LOVD: Arleen D. Auerbach.

Counsyl
Classification: Likely pathogenic for Fanconi anemia complementation group A. Last evaluated: 2017-05-15. Review status: no assertion criteria provided. Collection method: clinical testing. Allele origin: unknown. Not counted in ClinVar's aggregate classification.

Literature cited by the submitters: PubMed 19367192 (cited by Labcorp Genetics (formerly Invitae), Labcorp); PubMed 24584348 (cited by Labcorp Genetics (formerly Invitae), Labcorp and Counsyl).